The following is an entry in ClinVar:

NM_020964.3(EPG5):c.7057C>T (p.Gln2353Ter)

Gene: EPG5 (ectopic P-granules 5 autophagy tethering factor; minus strand). Cytogenetic location: 18q12.3.
Variant type: single nucleotide variant.
Coding change: c.7057C>T on transcript NM_020964.3 (MANE Select); coding-DNA position 7057, C replaced by T.
Protein change: p.Gln2353Ter; replaces glutamine 2353 with a stop codon.
Molecular consequence: nonsense.
Genome position (GRCh38, 1-based): chr18:45,858,735, G>A on the plus strand (C>T on the coding strand, the complement: EPG5 is on the minus strand). VCF-style: chr18-45858735-G-A. GRCh37 (hg19) VCF-style: chr18-43438700-G-A.
Other names: short protein forms Q2353*.
Identifiers: ClinVar variation 1408314 (VCV001408314.8), dbSNP rs763931697, ClinGen allele CA8948085.

ClinVar aggregate classification (germline): Pathogenic/Likely pathogenic. Review status: criteria provided, multiple submitters, no conflicts (2 of 4 stars). 2 submissions from 2 submitters: Pathogenic (1); Likely pathogenic (1). Last evaluated 2026-01-12.

Conditions:
EPG5-related disorders.
Vici syndrome (VICIS). Identifiers: Orphanet 1493, MedGen C1855772, MONDO:0009452, OMIM 242840.

Allele frequency attached by ClinVar (database versions not stated): gnomAD exomes below 0.00001; ExAC 0.00001; gnomAD 0.00001; TOPMed 0.00002.

Submissions (2):

Labcorp Genetics (formerly Invitae), Labcorp
Classification: Pathogenic for Vici syndrome. Last evaluated: 2026-01-12. Review status: criteria provided, single submitter. Criteria: Invitae Variant Classification Sherloc (09022015). Collection method: clinical testing. Allele origin: germline.
Comment: This sequence change creates a premature translational stop signal (p.Gln2353*) in the EPG5 gene. It is expected to result in an absent or disrupted protein product. Loss-of-function variants in EPG5 are known to be pathogenic (PMID: 23222957, 23674064, 40192014). This variant is present in population databases (rs763931697, gnomAD 0.002%). This variant has not been reported in the literature in individuals affected with EPG5-related conditions. ClinVar contains an entry for this variant (Variation ID: 1408314). Algorithms developed to predict the effect of sequence changes on RNA splicing suggest that this variant may disrupt the consensus splice site. For these reasons, this variant has been classified as Pathogenic.

Blueprint Genetics
Classification: Likely pathogenic for EPG5-related disorders. Last evaluated: 2022-06-23. Review status: criteria provided, single submitter. Criteria: ACMG Guidelines, 2015. Collection method: clinical testing. Allele origin: germline. Affected: yes. Observed: 2 variant alleles.

Literature cited by the submitters: PubMed 23222957 (cited by Labcorp Genetics (formerly Invitae), Labcorp); PubMed 23674064 (cited by Labcorp Genetics (formerly Invitae), Labcorp); PubMed 40192014 (cited by Labcorp Genetics (formerly Invitae), Labcorp).